The following is an entry in ClinVar:

ClinVar aggregate classification (germline): Pathogenic (1 of 4 stars; one submission).

Submission:

Labcorp Genetics (formerly Invitae), Labcorp
Classification: Pathogenic. Last evaluated: 2024-08-27. Review status: criteria provided, single submitter. Criteria: Invitae Variant Classification Sherloc (09022015). Collection method: clinical testing. Allele origin: germline.
Comment: This sequence change creates a premature translational stop signal (p.Leu43Phefs*42) in the GPR143 gene. It is expected to result in an absent or disrupted protein product. Loss-of-function variants in GPR143 are known to be pathogenic (PMID: 15965158, 18978956, 19390656, 21541274, 26160353, 28211458). This variant is not present in population databases (gnomAD no frequency). This variant has not been reported in the literature in individuals affected with GPR143-related conditions. ClinVar contains an entry for this variant (Variation ID: 1452428). For these reasons, this variant has been classified as Pathogenic.

Literature cited by the submitters: PubMed 15965158; PubMed 18978956; PubMed 19390656; PubMed 21541274; PubMed 26160353; PubMed 28211458.

NM_000273.3(GPR143):c.126_132del (p.Leu43fs)

Gene: GPR143 (G protein-coupled receptor 143; minus strand). Cytogenetic location: Xp22.2.
Variant type: Deletion.
Coding change: c.126_132del on transcript NM_000273.3 (MANE Select); coding-DNA positions 126 to 132, 7 bases deleted (GCTGGGC; older notation c.126_132delGCTGGGC).
Protein change: p.Leu43fs; shifts the reading frame from leucine 43.
Molecular consequence: frameshift variant.
Genome position (GRCh38, 1-based): chrX:9,765,686-9,765,692, GCCCAGC deleted on the plus strand (GCTGGGC on the coding strand, the reverse complement: GPR143 is on the minus strand); deleting any 7 consecutive bases within chrX:9,765,686-9,765,695 gives the same sequence; the c. name uses the placement nearest the transcript's 3' end. VCF-style (leftmost placement, unchanged base first): chrX-9765685-GGCCCAGC-G. GRCh37 (hg19) VCF-style: chrX-9733725-GGCCCAGC-G.
Other names: short protein forms L43fs.
Identifiers: ClinVar variation 1452428 (VCV001452428.6), dbSNP rs2146705899, ClinGen allele CA2573159675.